The following is an entry in ClinVar:

ClinVar aggregate classification (germline): Conflicting classifications of pathogenicity. Review status: criteria provided, conflicting classifications (1 of 4 stars). 2 submissions from 2 submitters: Uncertain significance (1); Likely benign (1). Last evaluated 2025-12-20.

Conditions:
Primary ciliary dyskinesia. Also called: Ciliary dyskinesia. Identifiers: Orphanet 244, MedGen C0008780, MONDO:0016575, HP:0012265.
Primary ciliary dyskinesia 6. Also called: Primary Ciliary Dyskinesia 6: TXNDC3-Related Primary Ciliary Dyskinesia. Identifiers: Orphanet 244, MedGen C1970506, MONDO:0012571, OMIM 610852.

Allele frequency attached by ClinVar (database versions not stated): gnomAD exomes 0.00004; gnomAD 0.00005; TOPMed 0.00005; ExAC 0.00007.
gnomAD v4.1: 60 of 1,598,076 alleles (0.0038%); highest among the groups gnomAD compares: East Asian, 0.13%; no homozygotes.

Submissions (2):

Labcorp Genetics (formerly Invitae), Labcorp
Classification: Uncertain significance for Primary ciliary dyskinesia 6. Last evaluated: 2025-12-20. Review status: criteria provided, single submitter. Criteria: Invitae Variant Classification Sherloc (09022015). Collection method: clinical testing. Allele origin: germline.
Comment: This sequence change replaces aspartic acid, which is acidic and polar, with valine, which is neutral and non-polar, at codon 139 of the NME8 protein (p.Asp139Val). This variant is present in population databases (rs754343759, gnomAD 0.1%), and has an allele count higher than expected for a pathogenic variant. This missense change has been observed in individual(s) with NME8-related conditions (PMID: 35804324). ClinVar contains an entry for this variant (Variation ID: 1738397). Invitae Evidence Modeling of protein sequence and biophysical properties (such as structural, functional, and spatial information, amino acid conservation, physicochemical variation, residue mobility, and thermodynamic stability) indicates that this missense variant is not expected to disrupt NME8 protein function with a negative predictive value of 80%. In summary, the available evidence is currently insufficient to determine the role of this variant in disease. Therefore, it has been classified as a Variant of Uncertain Significance.

Ambry Genetics
Classification: Likely benign for Primary ciliary dyskinesia. Last evaluated: 2017-09-06. Review status: criteria provided, single submitter. Criteria: Ambry Variant Classification Scheme 2023. Collection method: clinical testing. Allele origin: germline.

Literature cited by the submitters: PubMed 35804324 (cited by Labcorp Genetics (formerly Invitae), Labcorp).

NM_016616.5(NME8):c.416A>T (p.Asp139Val)

Gene: NME8 (NME/NM23 family member 8; plus strand). Cytogenetic location: 7p14.1.
Variant type: single nucleotide variant.
Coding change: c.416A>T on transcript NM_016616.5 (MANE Select); coding-DNA position 416, A replaced by T.
Protein change: p.Asp139Val; replaces aspartic acid 139 with valine.
Molecular consequence: missense variant.
Genome position (GRCh38, 1-based): chr7:37,863,424, A>T. VCF-style: chr7-37863424-A-T. GRCh37 (hg19) VCF-style: chr7-37903026-A-T.
Other names: short protein forms D139V.
Identifiers: ClinVar variation 1738397 (VCV001738397.3), dbSNP rs754343759, ClinGen allele CA4222183.